The following is an entry in ClinVar:

ClinVar aggregate classification (germline): Uncertain significance (1 of 4 stars; one submission).

Conditions:
EP300-related disorder. Also called: EP300-related condition; EP300-related disorders.

gnomAD v4.1: 1 of 1,614,188 alleles (0.000062%); highest among the groups gnomAD compares: Non-Finnish European, 0.000085%; no homozygotes.

Submission:

PreventionGenetics, part of Exact Sciences
Classification: Uncertain significance for EP300-related condition. Last evaluated: 2026-06-02. Review status: criteria provided, single submitter. Criteria: ACMG Guidelines, 2015. Collection method: clinical testing. Allele origin: germline.
Comment: The EP300 c.5821C>G variant is predicted to result in the amino acid substitution p.Gln1941Glu. To our knowledge, this variant has not been reported in the literature or in a large population database (gnomAD), indicating this variant is rare. At this time, the clinical significance of this variant is uncertain due to the absence of conclusive functional and genetic evidence.

NM_001429.4(EP300):c.5821C>G (p.Gln1941Glu)

Gene: EP300 (EP300 lysine acetyltransferase; plus strand). Cytogenetic location: 22q13.2.
Variant type: single nucleotide variant.
Coding change: c.5821C>G on transcript NM_001429.4 (MANE Select); coding-DNA position 5821, C replaced by G.
Protein change: p.Gln1941Glu; replaces glutamine 1941 with glutamic acid.
Molecular consequence: missense variant.
Genome position (GRCh38, 1-based): chr22:41,177,532, C>G. VCF-style: chr22-41177532-C-G. GRCh37 (hg19) VCF-style: chr22-41573536-C-G.
Other names: c.5743C>G, p.Gln1915Glu (NM_001362843.2); short protein forms Q1941E, Q1915E.
Identifiers: ClinVar variation 4994021 (VCV004994021.1).